The following is an entry in ClinVar:

ClinVar aggregate classification (germline): Uncertain significance (1 of 4 stars; one submission).

Conditions:
Generalized epilepsy with febrile seizures plus, type 7 (GEFSP7). Also called: GEFS+, TYPE 7. Identifiers: Orphanet 36387, MedGen C2751778, MONDO:0013470, OMIM 613863.
Neuropathy, hereditary sensory and autonomic, type 2A (HSAN2A). Also called: ACROOSTEOLYSIS, GIACCAI TYPE; ACROOSTEOLYSIS, NEUROGENIC; HSAN IIA; WNK1-Related HSAN2 (HSAN2A); MORVAN DISEASE; NEUROPATHY, CONGENITAL SENSORY. Identifiers: Orphanet 970, MedGen C2752089, MONDO:0024309, OMIM 201300.

Allele frequency attached by ClinVar (database versions not stated): gnomAD 0.00001; gnomAD exomes 0.00001; TOPMed 0.00001.

Submission:

Labcorp Genetics (formerly Invitae), Labcorp
Classification: Uncertain significance for Neuropathy, hereditary sensory and autonomic, type 2A; Generalized epilepsy with febrile seizures plus, type 7. Last evaluated: 2023-02-10. Review status: criteria provided, single submitter. Criteria: Invitae Variant Classification Sherloc (09022015). Collection method: clinical testing. Allele origin: germline.
Comment: Advanced modeling of protein sequence and biophysical properties (such as structural, functional, and spatial information, amino acid conservation, physicochemical variation, residue mobility, and thermodynamic stability) has been performed at Invitae for this missense variant, however the output from this modeling did not meet the statistical confidence thresholds required to predict the impact of this variant on SCN9A protein function. This variant has not been reported in the literature in individuals affected with SCN9A-related conditions. This variant is not present in population databases (gnomAD no frequency). This sequence change replaces serine, which is neutral and polar, with asparagine, which is neutral and polar, at codon 11 of the SCN9A protein (p.Ser11Asn). In summary, the available evidence is currently insufficient to determine the role of this variant in disease. Therefore, it has been classified as a Variant of Uncertain Significance.

NM_001365536.1(SCN9A):c.32G>A (p.Ser11Asn)

Gene: SCN9A (sodium voltage-gated channel alpha subunit 9; minus strand). Cytogenetic location: 2q24.3.
Variant type: single nucleotide variant.
Coding change: c.32G>A on transcript NM_001365536.1 (MANE Select); coding-DNA position 32, G replaced by A.
Protein change: p.Ser11Asn; replaces serine 11 with asparagine.
Molecular consequence: missense variant.
Genome position (GRCh38, 1-based): chr2:166,311,725, C>T on the plus strand (G>A on the coding strand, the complement: SCN9A is on the minus strand). VCF-style: chr2-166311725-C-T. GRCh37 (hg19) VCF-style: chr2-167168235-C-T.
Other names: c.32G>A, p.Ser11Asn (NM_002977.4); short protein forms S11N.
Identifiers: ClinVar variation 2924074 (VCV002924074.3), dbSNP rs1347545350, ClinGen allele CA349096259.